The following is an entry in ClinVar:

NM_004415.4(DSP):c.7562A>G (p.Asp2521Gly)

Gene: DSP (desmoplakin; plus strand). Cytogenetic location: 6p24.3.
Variant type: single nucleotide variant.
Coding change: c.7562A>G on transcript NM_004415.4 (MANE Select); coding-DNA position 7562, A replaced by G.
Protein change: p.Asp2521Gly; replaces aspartic acid 2521 with glycine.
Molecular consequence: missense variant.
Genome position (GRCh38, 1-based): chr6:7,584,824, A>G. VCF-style: chr6-7584824-A-G. GRCh37 (hg19) VCF-style: chr6-7585057-A-G.
Other names: c.5765A>G, p.Asp1922Gly (NM_001008844.3); c.6233A>G, p.Asp2078Gly (NM_001319034.2); short protein forms D1922G, D2078G, D2521G.
Identifiers: ClinVar variation 1476667 (VCV001476667.9), dbSNP rs758490440, ClinGen allele CA050147.

ClinVar aggregate classification (germline): Conflicting classifications of pathogenicity. Review status: criteria provided, conflicting classifications (1 of 4 stars). 2 submissions from 2 submitters: Uncertain significance (1); Likely benign (1). Last evaluated 2023-08-23.

Conditions:
Arrhythmogenic cardiomyopathy with wooly hair and keratoderma. Also called: Carvajal syndrome; Arrhythmogenic cardiomyopathy with woolly hair and keratoderma; Dilated cardiomyopathy with woolly hair and keratoderma; PALMOPLANTAR KERATODERMA WITH LEFT VENTRICULAR CARDIOMYOPATHY AND WOOLLY HAIR. Identifiers: Orphanet 65282, MedGen C1854063, MONDO:0011581, OMIM 605676.
Arrhythmogenic right ventricular dysplasia 8 (ARVD8). Also called: ARRHYTHMOGENIC RIGHT VENTRICULAR DYSPLASIA, FAMILIAL, 8; Arrhythmogenic Right Ventricular Dysplasia/Cardiomyopathy 8; ARRHYTHMOGENIC RIGHT VENTRICULAR CARDIOMYOPATHY 8. Identifiers: MedGen C1843896, MONDO:0011831, OMIM 607450.

Allele frequency attached by ClinVar (database versions not stated): gnomAD exomes below 0.00001 and 0.00001; ExAC 0.00002.
gnomAD v4.1: 4 of 1,614,232 alleles (0.00025%); highest among the groups gnomAD compares: South Asian, 0.0033%; no homozygotes.

Submissions (2):

All of Us Research Program, National Institutes of Health
Classification: Uncertain significance for Arrhythmogenic cardiomyopathy with wooly hair and keratoderma. Last evaluated: 2023-08-23. Review status: criteria provided, single submitter. Criteria: ACMG Guidelines, 2015. Collection method: clinical testing. Allele origin: germline. Inheritance: Autosomal dominant inheritance. Observed: 1 variant allele, 1 heterozygote.
Comment: This missense variant replaces aspartic acid with glycine at codon 2521 of the DSP protein. Computational prediction suggests that this variant may have deleterious impact on protein structure and function (internally defined REVEL score threshold >= 0.7, PMID: 27666373). To our knowledge, functional studies have not been reported for this variant. This variant has not been reported in individuals affected with DSP-related disorders in the literature. This variant has been identified in 2/251494 chromosomes in the general population by the Genome Aggregation Database (gnomAD). The available evidence is insufficient to determine the role of this variant in disease conclusively. Therefore, this variant is classified as a Variant of Uncertain Significance.

This study involves interpretation of variants in research participants for the purpose of population health screening. Participant phenotype was not available at the time of variant classification. Additional details can be found in publication PMID: 35346344, PMCID: PMC8962531

Labcorp Genetics (formerly Invitae), Labcorp
Classification: Likely benign for Arrhythmogenic cardiomyopathy with wooly hair and keratoderma; Arrhythmogenic right ventricular dysplasia 8. Last evaluated: 2023-06-26. Review status: criteria provided, single submitter. Criteria: Invitae Variant Classification Sherloc (09022015). Collection method: clinical testing. Allele origin: germline.